The following is an entry in ClinVar:

NM_000093.5(COL5A1):c.5360A>G (p.Asp1787Gly)

Genes: COL5A1 (collagen type V alpha 1 chain; plus strand), LOC101448202 (uncharacterized LOC101448202; minus strand). Cytogenetic location: 9q34.3.
Variant type: single nucleotide variant.
Coding change: c.5360A>G on transcript NM_000093.5 (MANE Select); coding-DNA position 5360, A replaced by G.
Protein change: p.Asp1787Gly; replaces aspartic acid 1787 with glycine.
Molecular consequence: missense variant.
Genome position (GRCh38, 1-based): chr9:134,835,194, A>G. VCF-style: chr9-134835194-A-G. GRCh37 (hg19) VCF-style: chr9-137727040-A-G.
Other names: c.5360A>G (NM_000093.3); c.5360A>G, p.Asp1787Gly (NM_001278074.1); short protein forms D1787G.
Identifiers: ClinVar variation 2046733 (VCV002046733.5), dbSNP rs373824993, ClinGen allele CA201113889.

ClinVar aggregate classification (germline): Uncertain significance. Review status: criteria provided, multiple submitters, no conflicts (2 of 4 stars). 2 submissions from 2 submitters: Uncertain significance (2). Last evaluated 2026-08-16.

Conditions:
Ehlers-Danlos syndrome, classic type, 1 (EDSCL1). Also called: Ehlers-Danlos syndrome, type 1; Ehlers-Danlos Syndrome, Classic Type, COL5A1-Related; EDS I; EHLERS-DANLOS SYNDROME, GRAVIS TYPE; EHLERS-DANLOS SYNDROME, SEVERE CLASSIC TYPE. Identifiers: MedGen C0268335, MONDO:0019567, OMIM 130000.
Familial thoracic aortic aneurysm and aortic dissection (TAAD). Also called: Thoracic aortic aneurysms and dissections. Identifiers: Orphanet 91387, MedGen C4707243, MONDO:0019625.

Allele frequency attached by ClinVar (database versions not stated): TOPMed below 0.00001; gnomAD 0.00001; ESP Exome Variant Server 0.00008.
gnomAD v4.1: 1 of 1,613,300 alleles (0.000062%); highest among the groups gnomAD compares: African/African-American, 0.0013%; no homozygotes.

Submissions (2):

Ambry Genetics
Classification: Uncertain significance for Familial thoracic aortic aneurysm and aortic dissection. Last evaluated: 2026-08-16. Review status: criteria provided, single submitter. Criteria: Ambry Variant Classification Scheme 2023. Collection method: clinical testing. Allele origin: germline.
Comment: The p.D1787G variant (also known as c.5360A>G), located in coding exon 65 of the COL5A1 gene, results from an A to G substitution at nucleotide position 5360. The aspartic acid at codon 1787 is replaced by glycine, an amino acid with similar properties. This amino acid position is conserved. In addition, this alteration is predicted to be deleterious by in silico analysis. Based on the available evidence, the clinical significance of this variant remains unclear.

Labcorp Genetics (formerly Invitae), Labcorp
Classification: Uncertain significance for Ehlers-Danlos syndrome, classic type, 1. Last evaluated: 2025-12-22. Review status: criteria provided, single submitter. Criteria: Invitae Variant Classification Sherloc (09022015). Collection method: clinical testing. Allele origin: germline.
Comment: This sequence change replaces aspartic acid, which is acidic and polar, with glycine, which is neutral and non-polar, at codon 1787 of the COL5A1 protein (p.Asp1787Gly). This variant is not present in population databases (gnomAD no frequency). This variant has not been reported in the literature in individuals affected with COL5A1-related conditions. ClinVar contains an entry for this variant (Variation ID: 2046733). Invitae Evidence Modeling of protein sequence and biophysical properties (such as structural, functional, and spatial information, amino acid conservation, physicochemical variation, residue mobility, and thermodynamic stability) indicates that this missense variant is expected to disrupt COL5A1 protein function with a positive predictive value of 80%. In summary, the available evidence is currently insufficient to determine the role of this variant in disease. Therefore, it has been classified as a Variant of Uncertain Significance.